The following is an entry in ClinVar:

NM_000075.4(CDK4):c.857C>T (p.Ala286Val)

Genes: TSPAN31 (tetraspanin 31; plus strand), CDK4 (cyclin dependent kinase 4; minus strand). Cytogenetic location: 12q14.1.
Variant type: single nucleotide variant.
Coding change: c.857C>T on transcript NM_000075.4 (MANE Select); coding-DNA position 857, C replaced by T.
Protein change: p.Ala286Val; replaces alanine 286 with valine.
Molecular consequence: missense variant. On other transcripts: 3 prime UTR variant (3).
Genome position (GRCh38, 1-based): chr12:57,748,580, G>A on the plus strand (C>T on the coding strand, the complement: CDK4 is on the minus strand). VCF-style: chr12-57748580-G-A. GRCh37 (hg19) VCF-style: chr12-58142363-G-A.
Other names: c.*1290G>A (NM_001330168.2, NM_001330169.2, NM_005981.5); c.857C>T (NM_000075.3); short protein forms A286V.
Identifiers: ClinVar variation 1443282 (VCV001443282.7), dbSNP rs2140381155, ClinGen allele CA385542445.

ClinVar aggregate classification (germline): Uncertain significance. Review status: criteria provided, multiple submitters, no conflicts (2 of 4 stars). 2 submissions from 2 submitters: Uncertain significance (2). Last evaluated 2025-01-25.

Conditions:
Familial melanoma. Also called: Hereditary melanoma; Hereditary cutaneous melanoma. Identifiers: Orphanet 618, MedGen C1512419, MONDO:0018961.
Hereditary cancer-predisposing syndrome. Also called: Tumor predisposition; Hereditary Cancer Syndrome; Hereditary neoplastic syndrome; Neoplastic Syndromes, Hereditary. Identifiers: Orphanet 140162, MedGen C0027672, MeSH D009386, MONDO:0015356.

Submissions (2):

Ambry Genetics
Classification: Uncertain significance for Hereditary cancer-predisposing syndrome. Last evaluated: 2025-01-25. Review status: criteria provided, single submitter. Criteria: Ambry Variant Classification Scheme 2023. Collection method: clinical testing. Allele origin: germline.
Comment: The p.A286V variant (also known as c.857C>T), located in coding exon 7 of the CDK4 gene, results from a C to T substitution at nucleotide position 857. The alanine at codon 286 is replaced by valine, an amino acid with similar properties. This amino acid position is highly conserved in available vertebrate species. In addition, the in silico prediction for this alteration is inconclusive. Based on the available evidence, the clinical significance of this variant remains unclear.

Labcorp Genetics (formerly Invitae), Labcorp
Classification: Uncertain significance for Familial melanoma. Last evaluated: 2021-03-14. Review status: criteria provided, single submitter. Criteria: Invitae Variant Classification Sherloc (09022015). Collection method: clinical testing. Allele origin: germline.
Comment: In summary, the available evidence is currently insufficient to determine the role of this variant in disease. Therefore, it has been classified as a Variant of Uncertain Significance. Advanced modeling of protein sequence and biophysical properties (such as structural, functional, and spatial information, amino acid conservation, physicochemical variation, residue mobility, and thermodynamic stability) performed at Invitae indicates that this missense variant is expected to disrupt CDK4 protein function. This variant has not been reported in the literature in individuals with CDK4-related conditions. This variant is not present in population databases (ExAC no frequency). This sequence change replaces alanine with valine at codon 286 of the CDK4 protein (p.Ala286Val). The alanine residue is highly conserved and there is a small physicochemical difference between alanine and valine.